The following is an entry in ClinVar:

ClinVar aggregate classification (germline): Uncertain significance. Review status: criteria provided, multiple submitters, no conflicts (2 of 4 stars). 4 submissions from 4 submitters: Uncertain significance (3). 1 of the submissions does not count toward it. Last evaluated 2025-01-22.

Conditions:
Joubert syndrome 7 (JBTS7). Identifiers: Orphanet 220497, MedGen C1969053, MONDO:0012694, OMIM 611560.
COACH syndrome 3. Identifiers: MedGen C5436841, MONDO:0030862, OMIM 619113.
Meckel syndrome, type 5 (MKS5). Identifiers: Orphanet 564, MedGen C1969052, MONDO:0012695, OMIM 611561.
Joubert syndrome. Also called: Familial aplasia of the vermis; JOUBERT-BOLTSHAUSER SYNDROME. Identifiers: Orphanet 475, MedGen C5979921, MONDO:0018772.
Meckel-Gruber syndrome. Also called: DYSENCEPHALIA SPLANCHNOCYSTICA; GRUBER SYNDROME; Dysencephalia splachnocystica. Identifiers: Orphanet 564, MedGen C0265215, MONDO:0018921.
RPGRIP1L-related disorder. Also called: RPGRIP1L-related disorders; RPGRIP1L-related condition. Identifiers: MedGen CN239416.

Allele frequency attached by ClinVar (database versions not stated): gnomAD 0.00001; TOPMed 0.00002; ExAC 0.00003; gnomAD exomes 0.00004.
gnomAD v4.1: 58 of 1,608,696 alleles (0.0036%); highest among the groups gnomAD compares: Non-Finnish European, 0.0047%; no homozygotes.

Submissions (4):

Labcorp Genetics (formerly Invitae), Labcorp
Classification: Uncertain significance for Joubert syndrome; Meckel-Gruber syndrome. Last evaluated: 2025-01-22. Review status: criteria provided, single submitter. Criteria: Invitae Variant Classification Sherloc (09022015). Collection method: clinical testing. Allele origin: germline.
Comment: This sequence change replaces glutamine, which is neutral and polar, with histidine, which is basic and polar, at codon 984 of the RPGRIP1L protein (p.Gln984His). This variant is present in population databases (rs775144757, gnomAD 0.003%). This variant has not been reported in the literature in individuals affected with RPGRIP1L-related conditions. ClinVar contains an entry for this variant (Variation ID: 2045896). Invitae Evidence Modeling of protein sequence and biophysical properties (such as structural, functional, and spatial information, amino acid conservation, physicochemical variation, residue mobility, and thermodynamic stability) indicates that this missense variant is not expected to disrupt RPGRIP1L protein function with a negative predictive value of 80%. In summary, the available evidence is currently insufficient to determine the role of this variant in disease. Therefore, it has been classified as a Variant of Uncertain Significance.

Fulgent Genetics
Classification: Uncertain significance for Joubert syndrome 7; Meckel syndrome, type 5; COACH syndrome 3. Last evaluated: 2024-05-17. Review status: criteria provided, single submitter. Criteria: ACMG Guidelines, 2015. Collection method: clinical testing. Allele origin: germline.

Blueprint Genetics
Classification: Uncertain significance. Last evaluated: 2020-04-14. Review status: criteria provided, single submitter. Criteria: ACMG Guidelines, 2015. Collection method: clinical testing. Allele origin: germline.

PreventionGenetics, part of Exact Sciences
Classification: Uncertain significance for RPGRIP1L-related condition. Last evaluated: 2024-03-27. Review status: no assertion criteria provided. Collection method: clinical testing. Allele origin: germline. Not counted in ClinVar's aggregate classification.
Comment: The RPGRIP1L c.2952G>C variant is predicted to result in the amino acid substitution p.Gln984His. To our knowledge, this variant has not been reported in the literature. This variant is reported in 0.0027% of alleles in individuals of European (Non-Finnish) descent in gnomAD. At this time, the clinical significance of this variant is uncertain due to the absence of conclusive functional and genetic evidence.

NM_015272.5(RPGRIP1L):c.2952G>C (p.Gln984His)

Gene: RPGRIP1L (RPGRIP1 like; minus strand). Cytogenetic location: 16q12.2.
Variant type: single nucleotide variant.
Coding change: c.2952G>C on transcript NM_015272.5 (MANE Select); coding-DNA position 2952, G replaced by C.
Protein change: p.Gln984His; replaces glutamine 984 with histidine.
Molecular consequence: missense variant.
Genome position (GRCh38, 1-based): chr16:53,641,039, C>G on the plus strand (G>C on the coding strand, the complement: RPGRIP1L is on the minus strand). VCF-style: chr16-53641039-C-G. GRCh37 (hg19) VCF-style: chr16-53674951-C-G.
Other names: c.2952G>C, p.Gln984His (NM_001127897.4, NM_001308334.3, NM_001330538.2); c.2952G>C (NM_015272.4); short protein forms Q984H.
Identifiers: ClinVar variation 2045896 (VCV002045896.6), dbSNP rs775144757, ClinGen allele CA8057414.
Genomic context (GRCh38, chr16:53,641,039, plus strand): 5'-TTATTTCAAATATTTGTTATGAAAAAATCAGTATTTTCAGTGTCTACTACTTACATCACT[C>G]TGATGTGGCATGATATCCACGAAAGATACCTTCTTATCTACAGGTGTTAAACGTTGTCTT-3'
Protein context (NP_056087.2, residues 974-994): KVSFVDIMPH[Gln984His]SDETSPPPED